The following is an entry in ClinVar:

ClinVar aggregate classification (germline): Uncertain significance (1 of 4 stars; one submission).

Conditions:
Alstrom syndrome (ALMS). Identifiers: Orphanet 64, MedGen C0268425, MONDO:0008763, OMIM 203800.

Submission:

Labcorp Genetics (formerly Invitae), Labcorp
Classification: Uncertain significance for Alstrom syndrome. Last evaluated: 2021-07-09. Review status: criteria provided, single submitter. Criteria: Invitae Variant Classification Sherloc (09022015). Collection method: clinical testing. Allele origin: germline.
Comment: In summary, the available evidence is currently insufficient to determine the role of this variant in disease. Therefore, it has been classified as a Variant of Uncertain Significance. Experimental studies and prediction algorithms are not available or were not evaluated, and the functional significance of this variant is currently unknown. This variant has not been reported in the literature in individuals affected with ALMS1-related conditions. This variant is not present in population databases (ExAC no frequency). This sequence change replaces serine with glycine at codon 3505 of the ALMS1 protein (p.Ser3505Gly). The serine residue is moderately conserved and there is a small physicochemical difference between serine and glycine.

NM_001378454.1(ALMS1):c.10510A>G (p.Ser3504Gly)

Gene: ALMS1 (ALMS1 centrosome and basal body associated protein; plus strand). Cytogenetic location: 2p13.1.
Variant type: single nucleotide variant.
Coding change: c.10510A>G on transcript NM_001378454.1 (MANE Select); coding-DNA position 10510, A replaced by G.
Protein change: p.Ser3504Gly; replaces serine 3504 with glycine.
Molecular consequence: missense variant.
Genome position (GRCh38, 1-based): chr2:73,572,387, A>G. VCF-style: chr2-73572387-A-G. GRCh37 (hg19) VCF-style: chr2-73799514-A-G.
Other names: c.10513A>G, p.Ser3505Gly (NM_015120.4); short protein forms S3504G, S3505G.
Identifiers: ClinVar variation 1404910 (VCV001404910.6), dbSNP rs45585940, ClinGen allele CA347283304.